The following is an entry in ClinVar:

ClinVar aggregate classification (germline): Pathogenic (1 of 4 stars; one submission).

Conditions:
Congenital adrenal insufficiency with 46, XY sex reversal OR 46,XY disorder of sex development-adrenal insufficiency due to CYP11A1 deficiency. Also called: P450scc DEFICIENCY; Congenital adrenal insuffiency with 46, XY sex reversal OR 46,XY disorder of sex development-adrenal insufficiency due to CYP11A1 deficiency. Identifiers: Orphanet 168558, MedGen C3151055, MONDO:0013400, OMIM 613743.

Submission:

Myriad Genetics, Inc.
Classification: Pathogenic for Congenital adrenal insufficiency with 46, XY sex reversal OR 46,XY disorder of sex development-adrenal insufficiency due to CYP11A1 deficiency. Last evaluated: 2026-06-03. Review status: criteria provided, single submitter. Criteria: Myriad Autosomal Dominant, Autosomal Recessive and X-Linked Classification Criteria (2023). Collection method: clinical testing. Allele origin: unknown.
Comment: NM_000781.2(CYP11A1):c.566dupC(S191Lfs*10) is expected to be pathogenic in the context of congenital adrenal hyperplasia, CYP11A1-related. This variant is predicted to lead to an abnormal or absent protein product due to the creation of a premature termination codon in CYP11A1, a gene where loss-of-function variants are known to be pathogenic. Please note: this variant was assessed in the context of healthy population screening.

NM_000781.3(CYP11A1):c.566dup (p.Ser191fs)

Gene: CYP11A1 (cytochrome P450 family 11 subfamily A member 1; minus strand). Cytogenetic location: 15q24.1.
Variant type: Duplication.
Coding change: c.566dup on transcript NM_000781.3 (MANE Select); coding-DNA position 566, one base duplicated (C; older notation c.566dupC).
Protein change: p.Ser191fs; shifts the reading frame from serine 191.
Molecular consequence: frameshift variant.
Genome position (GRCh38, 1-based): chr15:74,345,103, G duplicated on the plus strand (C on the coding strand, the reverse complement: CYP11A1 is on the minus strand). VCF-style (leftmost placement, unchanged base first): chr15-74345102-C-CG. GRCh37 (hg19) VCF-style: chr15-74637443-C-CG.
Other names: c.92dup, p.Ser33fs (NM_001099773.2); short protein forms S191fs, S33fs.
Identifiers: ClinVar variation 5015982 (VCV005015982.1).